The following is an entry in ClinVar:

NM_014264.5(PLK4):c.168_169del (p.Arg56fs)

Gene: PLK4 (polo like kinase 4; plus strand). Cytogenetic location: 4q28.1.
Variant type: Microsatellite.
Coding change: c.168_169del on transcript NM_014264.5 (MANE Select); coding-DNA positions 168 to 169, 2 bases deleted (AG; older notation c.168_169delAG).
Protein change: p.Arg56fs; shifts the reading frame from arginine 56.
Molecular consequence: frameshift variant. On other transcripts: intron variant (1).
Genome position (GRCh38, 1-based): chr4:127,883,303-127,883,304, AG deleted; deleting any 2 consecutive bases within chr4:127,883,299-127,883,304 gives the same sequence; the c. name uses the placement nearest the transcript's 3' end. VCF-style (leftmost placement, unchanged base first): chr4-127883298-CAG-C. GRCh37 (hg19) VCF-style: chr4-128804453-CAG-C.
Other names: c.45_46del, p.Arg15fs (NM_001190801.2); c.127-140AG[2] (NM_001190799.2); short protein forms R56fs, R15fs.
Identifiers: ClinVar variation 1457246 (VCV001457246.6), dbSNP rs772584110, ClinGen allele CA3076514.
Genomic context (GRCh38, chr4:127,883,298, plus strand): 5'-AACATTTAAACCTGTTATTTTTAGATAGATAAGAAAGCCATGTACAAAGCAGGAATGGTA[CAG>C]AGAGTCCAAAATGAGGTGAAAATACATTGCCAATTGAAACATCCTTCTATCTTGGAGGTA-3'

ClinVar aggregate classification (germline): Pathogenic (1 of 4 stars; one submission).

Submission:

Labcorp Genetics (formerly Invitae), Labcorp
Classification: Pathogenic. Last evaluated: 2022-10-03. Review status: criteria provided, single submitter. Criteria: Invitae Variant Classification Sherloc (09022015). Collection method: clinical testing. Allele origin: germline.
Comment: For these reasons, this variant has been classified as Pathogenic. This variant has not been reported in the literature in individuals affected with PLK4-related conditions. This variant is present in population databases (rs772584110, gnomAD 0.0009%). This sequence change creates a premature translational stop signal (p.Arg56Serfs*4) in the PLK4 gene. It is expected to result in an absent or disrupted protein product. Loss-of-function variants in PLK4 are known to be pathogenic (PMID: 25320347, 30842647).

Literature cited by the submitters: PubMed 25320347; PubMed 30842647.